The following is an entry in ClinVar:

ClinVar aggregate classification (germline): Likely pathogenic (1 of 4 stars; one submission).

Conditions:
Charcot-Marie-Tooth Neuropathy X. Identifiers: MedGen CN118851.

Submission:

Labcorp Genetics (formerly Invitae), Labcorp
Classification: Likely pathogenic for Charcot-Marie-Tooth Neuropathy X. Last evaluated: 2023-06-30. Review status: criteria provided, single submitter. Criteria: Invitae Variant Classification Sherloc (09022015). Collection method: clinical testing. Allele origin: germline.
Comment: In summary, the currently available evidence indicates that the variant is pathogenic, but additional data are needed to prove that conclusively. Therefore, this variant has been classified as Likely Pathogenic. This variant disrupts the p.Phe149 amino acid residue in GJB1. Other variant(s) that disrupt this residue have been observed in individuals with GJB1-related conditions (PMID: 9888385, 10093067, 10586284), which suggests that this may be a clinically significant amino acid residue. Advanced modeling of protein sequence and biophysical properties (such as structural, functional, and spatial information, amino acid conservation, physicochemical variation, residue mobility, and thermodynamic stability) performed at Invitae indicates that this missense variant is expected to disrupt GJB1 protein function. ClinVar contains an entry for this variant (Variation ID: 1357090). This missense change has been observed in individual(s) with Charcot-Marie-Tooth disease (PMID: 27098243). It has also been observed to segregate with disease in related individuals. This variant is not present in population databases (gnomAD no frequency). This sequence change replaces phenylalanine, which is neutral and non-polar, with leucine, which is neutral and non-polar, at codon 149 of the GJB1 protein (p.Phe149Leu).

Literature cited by the submitters: PubMed 9888385; PubMed 10093067; PubMed 10586284; PubMed 27098243.

NM_000166.6(GJB1):c.447C>A (p.Phe149Leu)

Gene: GJB1 (gap junction protein beta 1; plus strand). Cytogenetic location: Xq13.1.
Variant type: single nucleotide variant.
Coding change: c.447C>A on transcript NM_000166.6 (MANE Select); coding-DNA position 447, C replaced by A.
Protein change: p.Phe149Leu; replaces phenylalanine 149 with leucine.
Molecular consequence: missense variant.
Genome position (GRCh38, 1-based): chrX:71,224,154, C>A. VCF-style: chrX-71224154-C-A. GRCh37 (hg19) VCF-style: chrX-70444004-C-A.
Other names: c.447C>A, p.Phe149Leu (NM_001097642.3); short protein forms F149L.
Identifiers: ClinVar variation 1357090 (VCV001357090.8), dbSNP rs2147946194, ClinGen allele CA413502508.
Genomic context (GRCh38, chrX:71,224,154, plus strand): 5'-GACACTGTGGTGGACCTATGTCATCAGCGTGGTGTTCCGGCTGTTGTTTGAGGCCGTCTT[C>A]ATGTATGTCTTTTATCTGCTCTACCCTGGCTATGCCATGGTGCGGCTGGTCAAGTGCGAC-3'
Protein context (NP_000157.1, residues 139-159): VVFRLLFEAV[Phe149Leu]MYVFYLLYPG